The following is an entry in ClinVar:

NM_000051.4(ATM):c.6215G>T (p.Gly2072Val)

Genes: ATM (ATM serine/threonine kinase; plus strand), C11orf65 (chromosome 11 open reading frame 65; minus strand). Cytogenetic location: 11q22.3.
Variant type: single nucleotide variant.
Coding change: c.6215G>T on transcript NM_000051.4 (MANE Select); coding-DNA position 6215, G replaced by T.
Protein change: p.Gly2072Val; replaces glycine 2072 with valine.
Molecular consequence: missense variant. On other transcripts: intron variant (2).
Genome position (GRCh38, 1-based): chr11:108,317,389, G>T. VCF-style: chr11-108317389-G-T. GRCh37 (hg19) VCF-style: chr11-108188116-G-T.
Other names: c.6215G>T, p.Gly2072Val (NM_001351834.2); c.641-8318C>A (NM_001330368.2); c.*39-8318C>A (NM_001351110.2); short protein forms G2072V.
Identifiers: ClinVar variation 3222266 (VCV003222266.1), dbSNP rs1183544857, ClinGen allele CA382551099.

ClinVar aggregate classification (germline): Uncertain significance (1 of 4 stars; one submission).

Conditions:
Hereditary cancer-predisposing syndrome. Also called: Tumor predisposition; Hereditary Cancer Syndrome; Hereditary neoplastic syndrome; Neoplastic Syndromes, Hereditary. Identifiers: Orphanet 140162, MedGen C0027672, MeSH D009386, MONDO:0015356.

Submission:

Ambry Genetics
Classification: Uncertain significance for Hereditary cancer-predisposing syndrome. Last evaluated: 2024-01-02. Review status: criteria provided, single submitter. Criteria: Ambry Variant Classification Scheme 2023. Collection method: clinical testing. Allele origin: germline.
Comment: The p.G2072V variant (also known as c.6215G>T), located in coding exon 42 of the ATM gene, results from a G to T substitution at nucleotide position 6215. The glycine at codon 2072 is replaced by valine, an amino acid with dissimilar properties. This variant was observed in an individual with early onset-breast cancer amongst a cohort of 1781 non-Ashkenazi Jewish individuals undergoing BRCA1/2 gene testing based on a personal history of breast cancer (Tung N et al. Cancer, 2015 Jan;121:25-33). This amino acid position is highly conserved in available vertebrate species. In addition, this alteration is predicted to be deleterious by in silico analysis. Since supporting evidence is limited at this time, the clinical significance of this alteration remains unclear.

Literature cited by the submitters: PubMed 25186627.